The following is an entry in ClinVar:

NM_001876.4(CPT1A):c.76G>T (p.Glu26Ter)

Gene: CPT1A (carnitine palmitoyltransferase 1A; minus strand). Cytogenetic location: 11q13.3.
Variant type: single nucleotide variant.
Coding change: c.76G>T on transcript NM_001876.4 (MANE Select); coding-DNA position 76, G replaced by T.
Protein change: p.Glu26Ter; replaces glutamic acid 26 with a stop codon.
Molecular consequence: nonsense.
Genome position (GRCh38, 1-based): chr11:68,815,399, C>A on the plus strand (G>T on the coding strand, the complement: CPT1A is on the minus strand). VCF-style: chr11-68815399-C-A. GRCh37 (hg19) VCF-style: chr11-68582867-C-A.
Other names: c.76G>T, p.Glu26Ter (NM_001031847.3); short protein forms E26*.
Identifiers: ClinVar variation 1071607 (VCV001071607.7), dbSNP rs2154001364, ClinGen allele CA381638356.
Genomic context (GRCh38, chr11:68,815,399, plus strand): 5'-ATCTGATGAACTTCTTTTTCCAGGAATGAAGTCCAGAGAGATAGATTTGTCTAAGAGCTT[C>A]ATGGCTCAGCCGCAGGTCAATCCCGTCCGGAGTGACCGTGAACTGAAAGGCCACAGCTTG-3'

ClinVar aggregate classification (germline): Pathogenic (1 of 4 stars; one submission).

Conditions:
Carnitine palmitoyl transferase 1A deficiency. Also called: CPT I DEFICIENCY; CPT DEFICIENCY, HEPATIC, TYPE I; CPT deficiency, hepatic, type IA; Carnitine palmitoyltransferase 1A deficiency; Carnitine palmitoyltransferase type I deficiency. Identifiers: Orphanet 156, MedGen C1829703, MONDO:0009705, OMIM 255120.

Submission:

Labcorp Genetics (formerly Invitae), Labcorp
Classification: Pathogenic for Carnitine palmitoyl transferase 1A deficiency. Last evaluated: 2020-02-02. Review status: criteria provided, single submitter. Criteria: Invitae Variant Classification Sherloc (09022015). Collection method: clinical testing. Allele origin: germline.
Comment: For these reasons, this variant has been classified as Pathogenic. Loss-of-function variants in CPT1A are known to be pathogenic (PMID: 16169268). This variant has not been reported in the literature in individuals with CPT1A-related conditions. This variant is not present in population databases (ExAC no frequency). This sequence change creates a premature translational stop signal (p.Glu26*) in the CPT1A gene. It is expected to result in an absent or disrupted protein product.

Literature cited by the submitters: PubMed 16169268.